The following is an entry in ClinVar:

NM_015338.6(ASXL1):c.2336C>T (p.Pro779Leu)

Gene: ASXL1 (ASXL transcriptional regulator 1; plus strand). Cytogenetic location: 20q11.21.
Variant type: single nucleotide variant.
Coding change: c.2336C>T on transcript NM_015338.6 (MANE Select); coding-DNA position 2336, C replaced by T.
Protein change: p.Pro779Leu; replaces proline 779 with leucine.
Molecular consequence: missense variant.
Genome position (GRCh38, 1-based): chr20:32,435,048, C>T. VCF-style: chr20-32435048-C-T. GRCh37 (hg19) VCF-style: chr20-31022851-C-T.
Other names: c.2153C>T, p.Pro718Leu (NM_001363734.1); short protein forms P779L, P718L.
Identifiers: ClinVar variation 596043 (VCV000596043.15), dbSNP rs41289850, ClinGen allele CA9808593.

ClinVar aggregate classification (germline): Conflicting classifications of pathogenicity. Review status: criteria provided, conflicting classifications (1 of 4 stars). 5 submissions from 5 submitters: Uncertain significance (1); Benign (2); Likely benign (2). Last evaluated 2025-09-23.

Conditions:
Inborn genetic diseases. Identifiers: MedGen C0950123, MeSH D030342.

Allele frequency attached by ClinVar (database versions not stated): ExAC 0.00012; gnomAD exomes 0.00020 and 0.00051; ESP Exome Variant Server 0.00023; gnomAD 0.00023 and 0.00024; TOPMed 0.00026; 1000 Genomes Project 0.00060; 1000 Genomes Project 30x 0.00062.
gnomAD v4.1: 774 of 1,614,168 alleles (0.048%); highest among the groups gnomAD compares: Non-Finnish European, 0.061%; 1 homozygote.

Submissions (5):

Labcorp Genetics (formerly Invitae), Labcorp
Classification: Benign. Last evaluated: 2025-09-23. Review status: criteria provided, single submitter. Criteria: Invitae Variant Classification Sherloc (09022015). Collection method: clinical testing. Allele origin: germline.

Blueprint Genetics
Classification: Benign. Last evaluated: 2024-09-13. Review status: criteria provided, single submitter. Criteria: ACMG Guidelines, 2015. Collection method: clinical testing. Allele origin: germline.

Ambry Genetics
Classification: Likely benign for Inborn genetic diseases. Last evaluated: 2022-01-25. Review status: criteria provided, single submitter. Criteria: Ambry Variant Classification Scheme 2023. Collection method: clinical testing. Allele origin: germline.

GeneDx
Classification: Likely benign. Last evaluated: 2020-06-19. Review status: criteria provided, single submitter. Criteria: GeneDx Variant Classification Process June 2021. Collection method: clinical testing. Allele origin: germline. Affected: yes.
Comment: This variant is associated with the following publications: (PMID: 30294391)

Eurofins Ntd Llc (ga)
Classification: Uncertain significance. Last evaluated: 2018-02-06. Review status: criteria provided, single submitter. Criteria: EGL Classification Definitions 2015. Collection method: clinical testing. Allele origin: germline. Observed: 1 variant allele, 1 heterozygote.